The following is an entry in ClinVar:

ClinVar aggregate classification (germline): Benign/Likely benign. Review status: criteria provided, multiple submitters, no conflicts (2 of 4 stars). 8 submissions from 8 submitters: Benign (2); Likely benign (5). 1 of the submissions does not count toward it. Last evaluated 2025-10-31.

Conditions:
Hereditary cancer-predisposing syndrome. Also called: Hereditary neoplastic syndrome; Neoplastic Syndromes, Hereditary; Tumor predisposition; Hereditary Cancer Syndrome. Identifiers: Orphanet 140162, MedGen C0027672, MeSH D009386, MONDO:0015356.
APC-related disorder. Also called: APC-related condition.
Familial adenomatous polyposis 1 (FAP1). Also called: POLYPOSIS, ADENOMATOUS INTESTINAL; FAMILIAL ADENOMATOUS POLYPOSIS 1, ATTENUATED. Identifiers: MedGen C2713442, MONDO:0021056, OMIM 175100. Disease mechanism: loss of function.
Classic or attenuated familial adenomatous polyposis. Identifiers: MedGen CN372698, MONDO:0021057.

Allele frequency attached by ClinVar (database versions not stated): ExAC 0.00004; gnomAD 0.00010 and 0.00011; TOPMed 0.00013; ESP Exome Variant Server 0.00046.
gnomAD v4.1: 19 of 1,613,794 alleles (0.0012%); highest among the groups gnomAD compares: African/African-American, 0.025%; no homozygotes.

Submissions (8):

Labcorp Genetics (formerly Invitae), Labcorp
Classification: Benign for Familial adenomatous polyposis 1. Last evaluated: 2025-10-31. Review status: criteria provided, single submitter. Criteria: Invitae Variant Classification Sherloc (09022015). Collection method: clinical testing. Allele origin: germline.

All of Us Research Program, National Institutes of Health
Classification: Likely benign for Classic or attenuated familial adenomatous polyposis. Last evaluated: 2024-06-09. Review status: criteria provided, single submitter. Criteria: ACMG Guidelines, 2015. Collection method: clinical testing. Allele origin: germline. Inheritance: Autosomal dominant inheritance. Observed: 5 variant alleles, 5 heterozygotes.
Comment: This study involves interpretation of variants in research participants for the purpose of population health screening. Participant phenotype was not available at the time of variant classification. Additional details can be found in publication PMID: 35346344, PMCID: PMC8962531

Myriad Genetics, Inc.
Classification: Benign for Familial adenomatous polyposis 1. Last evaluated: 2024-04-09. Review status: criteria provided, single submitter. Criteria: Myriad Autosomal Dominant, Autosomal Recessive and X-Linked Classification Criteria (2023). Collection method: clinical testing. Allele origin: unknown.
Comment: This variant is considered benign. This variant is a silent/synonymous amino acid change and it is not expected to impact splicing.

Women's Health and Genetics/Laboratory Corporation of America, LabCorp
Classification: Likely benign. Last evaluated: 2018-07-02. Review status: criteria provided, single submitter. Criteria: LabCorp Variant Classification Summary - May 2015. Collection method: clinical testing. Allele origin: germline.
Comment: Variant summary: APC c.7137C>G alters a non-conserved nucleotide resulting in a synonymous change. 5/5 computational tools predict no significant impact on normal splicing. However, these predictions have yet to be confirmed by functional studies. The variant is found at a frequency of 0.0000326 (9/275826 control chromosomes) in the gnomAD database, and was exclusively observed in the African subpopulation at a frequency of 0.000375 (9/23978 African control chromosomes). This frequency in the African subpopulation is greater than 5-fold above the maximal expected allele frequency for a pathogenic variant in APC, suggesting that the variant is likely a benign polymorphism in African lineages. To our knowledge, no occurrence of c.7137C>G in individuals affected with Familial Adenomatous Polyposis and no experimental evidence demonstrating its impact on protein function have been reported. Two clinical diagnostic laboratories have submitted clinical-significance assessments for this variant to ClinVar after 2014 and both classified the variant as benign/likely benign. Based on the evidence outlined above, the variant was classified as likely benign.

GeneDx
Classification: Likely benign. Last evaluated: 2018-03-29. Review status: criteria provided, single submitter. Criteria: GeneDx Variant Classification (06012015). Collection method: clinical testing. Allele origin: germline. Affected: yes.
Comment: This variant is considered likely benign or benign based on one or more of the following criteria: it is a conservative change, it occurs at a poorly conserved position in the protein, it is predicted to be benign by multiple in silico algorithms, and/or has population frequency not consistent with disease.

Color Diagnostics, LLC DBA Color Health
Classification: Likely benign for Hereditary cancer-predisposing syndrome. Last evaluated: 2016-11-22. Review status: criteria provided, single submitter. Criteria: ACMG Guidelines, 2015. Collection method: clinical testing. Allele origin: germline.

Ambry Genetics
Classification: Likely benign for Hereditary cancer-predisposing syndrome. Last evaluated: 2015-05-28. Review status: criteria provided, single submitter. Criteria: Ambry Variant Classification Scheme 2023. Collection method: clinical testing. Allele origin: germline.

PreventionGenetics, part of Exact Sciences
Classification: Likely benign for APC-related condition. Last evaluated: 2022-06-02. Review status: no assertion criteria provided. Collection method: clinical testing. Allele origin: germline. Not counted in ClinVar's aggregate classification.
Comment: This variant is classified as likely benign based on ACMG/AMP sequence variant interpretation guidelines (Richards et al. 2015 PMID: 25741868, with internal and published modifications).

NM_000038.6(APC):c.7137C>G (p.Thr2379=)

Gene: APC (APC regulator of Wnt signaling pathway; plus strand). Cytogenetic location: 5q22.2.
Variant type: single nucleotide variant.
Coding change: c.7137C>G on transcript NM_000038.6 (MANE Select); coding-DNA position 7137, C replaced by G.
Protein change: p.Thr2379=; no amino-acid change (threonine 2379 retained).
Molecular consequence: synonymous variant.
Genome position (GRCh38, 1-based): chr5:112,842,731, C>G. VCF-style: chr5-112842731-C-G. GRCh37 (hg19) VCF-style: chr5-112178428-C-G.
Other names: c.7137C>G, p.Thr2379= (NM_001127510.3, NM_001354895.2); c.7083C>G, p.Thr2361= (NM_001127511.3); c.7191C>G, p.Thr2397= (NM_001354896.2); c.7167C>G, p.Thr2389= (NM_001354897.2); c.7062C>G, p.Thr2354= (NM_001354898.2); c.7053C>G, p.Thr2351= (NM_001354899.2); c.7014C>G, p.Thr2338= (NM_001354900.2); c.6960C>G, p.Thr2320= (NM_001354901.2); and 5 more.
Identifiers: ClinVar variation 215431 (VCV000215431.26), dbSNP rs141454910, ClinGen allele CA047043.
Genomic context (GRCh38, chr5:112,842,731, plus strand): 5'-AGGTTCTGGAAAAATGTCATATACATCTCCAGGTAGACAGATGAGCCAACAGAACCTTAC[C>G]AAACAAACAGGTTTATCCAAGAATGCCAGTAGTATTCCAAGAAGTGAGTCTGCCTCCAAA-3'
Protein context (NP_000029.2, residues 2369-2389): PGRQMSQQNL[Thr2379=]KQTGLSKNAS